The following is an entry in ClinVar:

ClinVar aggregate classification (germline): Likely benign. Review status: criteria provided, single submitter (1 of 4 stars). 2 submissions from 2 submitters: Likely benign (1). 1 of the submissions does not count toward it. Last evaluated 2022-10-17.

Conditions:
CPE-related disorder. Also called: CPE-related condition.

Allele frequency attached by ClinVar (database versions not stated): gnomAD exomes 0.00001 and 0.00002; TOPMed 0.00001; ExAC 0.00002.
gnomAD v4.1: 18 of 1,613,706 alleles (0.0011%); highest among the groups gnomAD compares: Admixed American, 0.005%; no homozygotes.

Submissions (2):

Labcorp Genetics (formerly Invitae), Labcorp
Classification: Likely benign. Last evaluated: 2022-10-17. Review status: criteria provided, single submitter. Criteria: Invitae Variant Classification Sherloc (09022015). Collection method: clinical testing. Allele origin: germline.

PreventionGenetics, part of Exact Sciences
Classification: Uncertain significance for CPE-related condition. Last evaluated: 2024-03-29. Review status: no assertion criteria provided. Collection method: clinical testing. Allele origin: germline. Not counted in ClinVar's aggregate classification.
Comment: The CPE c.381G>A variant is not predicted to result in an amino acid change (p.=). To our knowledge, this variant has not been reported in the literature. Splicing prediction programs indicate that this variant may lead to the creation of a cryptic acceptor site (Alamut Visual v2.11). This variant is reported in 0.0087% of alleles in individuals of Latino descent in gnomAD. At this time, the clinical significance of this variant is uncertain due to the absence of conclusive functional and genetic evidence.

NM_001873.4(CPE):c.381G>A (p.Leu127=)

Gene: CPE (carboxypeptidase E; plus strand). Cytogenetic location: 4q32.3.
Variant type: single nucleotide variant.
Coding change: c.381G>A on transcript NM_001873.4 (MANE Select); coding-DNA position 381, G replaced by A.
Protein change: p.Leu127=; no amino-acid change (leucine 127 retained).
Molecular consequence: synonymous variant.
Genome position (GRCh38, 1-based): chr4:165,464,463, G>A. VCF-style: chr4-165464463-G-A. GRCh37 (hg19) VCF-style: chr4-166385615-G-A.
Other names: c.381G>A (NM_001873.3).
Identifiers: ClinVar variation 1626832 (VCV001626832.9), dbSNP rs762963410, ClinGen allele CA3130170.
Genomic context (GRCh38, chr4:165,464,463, plus strand): 5'-TAAATACATTGGGAATATGCATGGGAATGAGGCTGTTGGACGAGAACTGCTCATTTTCTT[G>A]GCCCAGTACCTATGCAACGAATACCAGAAGGGGAACGAGACAATTGTCAACCTGATCCAC-3'
Protein context (NP_001864.1, residues 117-137): EAVGRELLIF[Leu127=]AQYLCNEYQK